The following is an entry in ClinVar:

NM_000089.4(COL1A2):c.928G>C (p.Gly310Arg)

Gene: COL1A2 (collagen type I alpha 2 chain; plus strand). Cytogenetic location: 7q21.3.
Variant type: single nucleotide variant.
Coding change: c.928G>C on transcript NM_000089.4 (MANE Select); coding-DNA position 928, G replaced by C.
Protein change: p.Gly310Arg; replaces glycine 310 with arginine.
Molecular consequence: missense variant.
Genome position (GRCh38, 1-based): chr7:94,409,600, G>C. VCF-style: chr7-94409600-G-C. GRCh37 (hg19) VCF-style: chr7-94038912-G-C.
Other names: short protein forms G310R.
Identifiers: ClinVar variation 3759116 (VCV003759116.2).
Genomic context (GRCh38, chr7:94,409,600, plus strand): 5'-CTTCTCCTTTCCTTTTCCTCATAGGGTAATCCTGGAGCAAACGGCCTTACTGGTGCCAAG[G>C]GTGCTGCTGTGAGTATACCTGCGTAGCTAAAATGTGCTGCTATGATTTTAAAGGCATTTA-3'
Protein context (NP_000080.2, residues 300-320): PGANGLTGAK[Gly310Arg]AAGLPGVAGA

ClinVar aggregate classification (germline): Pathogenic (1 of 4 stars; one submission).

Conditions:
Ehlers-Danlos syndrome, classic type, 1 (EDSCL1). Also called: EHLERS-DANLOS SYNDROME, GRAVIS TYPE; EHLERS-DANLOS SYNDROME, SEVERE CLASSIC TYPE; Ehlers-Danlos syndrome, type 1; Ehlers-Danlos Syndrome, Classic Type, COL5A1-Related; EDS I. Identifiers: MedGen C0268335, MONDO:0019567, OMIM 130000.
Osteogenesis imperfecta type I (OI1). Also called: OI, TYPE I; OSTEOGENESIS IMPERFECTA TARDA; OSTEOGENESIS IMPERFECTA WITH BLUE SCLERAE; Osteogenesis imperfecta type 1; Lobstein's Disease; Lobstein disease. Identifiers: Orphanet 216796, Orphanet 666, MedGen C0023931, MONDO:0008146, OMIM 166200. Disease mechanism: loss of function.

Submission:

Labcorp Genetics (formerly Invitae), Labcorp
Classification: Pathogenic for Osteogenesis imperfecta type I; Ehlers-Danlos syndrome, classic type, 1. Last evaluated: 2024-09-10. Review status: criteria provided, single submitter. Criteria: Invitae Variant Classification Sherloc (09022015). Collection method: clinical testing. Allele origin: germline.
Comment: This sequence change replaces glycine, which is neutral and non-polar, with arginine, which is basic and polar, at codon 310 of the COL1A2 protein (p.Gly310Arg). This variant is not present in population databases (gnomAD no frequency). This missense change has been observed in individual(s) with osteogenesis imperfecta (PMID: 17078022). Invitae Evidence Modeling of protein sequence and biophysical properties (such as structural, functional, and spatial information, amino acid conservation, physicochemical variation, residue mobility, and thermodynamic stability) indicates that this missense variant is expected to disrupt COL1A2 protein function with a positive predictive value of 95%. This variant disrupts the triple helix domain of COL1A2. Glycine residues within the Gly-Xaa-Yaa repeats of the triple helix domain are required for the structure and stability of fibrillar collagens (PMID: 7695699, 8218237, 19344236). In COL1A2, variants affecting these glycine residues are significantly enriched in individuals with disease (PMID: 9016532, 17078022) compared to the general population (ExAC). This variant disrupts the p.Gly310 amino acid residue in COL1A2. Other variant(s) that disrupt this residue have been observed in individuals with COL1A2-related conditions (PMID: 30715774; internal data), which suggests that this may be a clinically significant amino acid residue. For these reasons, this variant has been classified as Pathogenic.

Literature cited by the submitters: PubMed 17078022; PubMed 7695699; PubMed 8218237; PubMed 19344236; PubMed 9016532; PubMed 30715774.